The following is an entry in ClinVar:

ClinVar aggregate classification (germline): Likely pathogenic. Review status: criteria provided, single submitter (1 of 4 stars). 2 submissions from 2 submitters: Likely pathogenic (1). 1 of the submissions does not count toward it. Last evaluated 2018-11-19.

Conditions:
Phosphoenolpyruvate carboxykinase deficiency, cytosolic (PCKDC). Also called: PCK1 DEFICIENCY, CYTOSOLIC; PEPCK DEFICIENCY, CYTOSOLIC. Identifiers: Orphanet 2880, MedGen C5574905, MONDO:0009866, OMIM 261680.

Allele frequency attached by ClinVar (database versions not stated): TOPMed below 0.00001; gnomAD exomes 0.00001 and 0.00002; ExAC 0.00004.
gnomAD v4.1: 17 of 1,606,838 alleles (0.0011%); highest among the groups gnomAD compares: South Asian, 0.011%; no homozygotes.

Submissions (2):

Centre for Mendelian Genomics, University Medical Centre Ljubljana
Classification: Likely pathogenic for Phosphoenolpyruvate carboxykinase deficiency, cytosolic. Last evaluated: 2018-11-19. Review status: criteria provided, single submitter. Criteria: ACMG Guidelines, 2015. Collection method: clinical testing. Allele origin: unknown. Affected: yes.
Comment: This variant was classified as: Likely pathogenic. The following ACMG criteria were applied in classifying this variant: PVS1,PM2.

Fatma Al Jasmi Lab, United Arab Emirates University
Classification: Pathogenic for Phosphoenolpyruvate carboxykinase deficiency, cytosolic. Review status: no assertion criteria provided. Collection method: clinical testing. Allele origin: inherited. Inheritance: Autosomal recessive inheritance. Affected: yes. Observed: 3 homozygotes. Clinical features observed: Vomiting (HP:0002013), Hypoglycemia (HP:0001943), Fever (HP:0001945), Encephalopathy (HP:0001298), Lethargy (HP:0001254), Seizure (HP:0001250), Hepatomegaly (HP:0002240), Hyperreflexia (HP:0001347), Hypertonia (HP:0001276), Intellectual disability, profound (HP:0002187), Autism (HP:0000717), Epileptic encephalopathy (HP:0200134). Not counted in ClinVar's aggregate classification.

NM_002591.4(PCK1):c.961+1G>A

Gene: PCK1 (phosphoenolpyruvate carboxykinase 1; plus strand). Cytogenetic location: 20q13.31.
Variant type: single nucleotide variant.
Coding change: c.961+1G>A on transcript NM_002591.4 (MANE Select); the canonical splice donor site of the intron after coding-DNA position 961, G replaced by A.
Molecular consequence: splice donor variant.
Genome position (GRCh38, 1-based): chr20:57,563,728, G>A. VCF-style: chr20-57563728-G-A. GRCh37 (hg19) VCF-style: chr20-56138784-G-A.
Identifiers: ClinVar variation 931905 (VCV000931905.5), dbSNP rs776767788, ClinGen allele CA9922216.